The following is an entry in ClinVar:

NM_000035.4(ALDOB):c.457_458del (p.Arg153fs)

Gene: ALDOB (aldolase, fructose-bisphosphate B; minus strand). Cytogenetic location: 9q31.1.
Variant type: Deletion.
Coding change: c.457_458del on transcript NM_000035.4 (MANE Select); coding-DNA positions 457 to 458, 2 bases deleted (AG; older notation c.457_458delAG).
Protein change: p.Arg153fs; shifts the reading frame from arginine 153.
Molecular consequence: frameshift variant.
Genome position (GRCh38, 1-based): chr9:101,427,564-101,427,565, CT deleted on the plus strand (AG on the coding strand, the reverse complement: ALDOB is on the minus strand); deleting any 2 consecutive bases within chr9:101,427,564-101,427,566 gives the same sequence; the c. name uses the placement nearest the transcript's 3' end. VCF-style (leftmost placement, unchanged base first): chr9-101427563-CCT-C. GRCh37 (hg19) VCF-style: chr9-104189845-CCT-C.
Other names: short protein forms R153fs.
Identifiers: ClinVar variation 1724142 (VCV001724142.2), dbSNP rs2490124418, ClinGen allele CA2580079283.

ClinVar aggregate classification (germline): Likely pathogenic (1 of 4 stars; one submission).

Conditions:
Hereditary fructosuria. Also called: ALDOB DEFICIENCY; ALDOLASE B DEFICIENCY; FRUCTOSE-1,6-BISPHOSPHATE ALDOLASE B DEFICIENCY; FRUCTOSE-1-PHOSPHATE ALDOLASE DEFICIENCY; FRUCTOSEMIA; Fructose intolerance. Identifiers: Orphanet 469, MedGen C0016751, MONDO:0009249, OMIM 229600, HP:0005973. Disease mechanism: loss of function.

Submission:

Myriad Genetics, Inc.
Classification: Likely pathogenic for Hereditary fructosuria. Last evaluated: 2022-01-27. Review status: criteria provided, single submitter. Criteria: Myriad Women's Health Autosomal Recessive and X-Linked Classification Criteria (2021). Collection method: clinical testing. Allele origin: unknown.
Comment: NM_000035.3(ALDOB):c.457_458delAG(R153Dfs*35) is expected to be pathogenic in the context of hereditary fructose intolerance. This variant is predicted to lead to an abnormal or absent protein product due to the creation of a premature termination codon in ALDOB, a gene where loss-of-function variants are known to be pathogenic. Please note: this variant was assessed in the context of healthy population screening.